The following is an entry in ClinVar:

ClinVar aggregate classification (germline): Uncertain significance (1 of 4 stars; one submission).

Conditions:
Emery-Dreifuss muscular dystrophy 4, autosomal dominant (EDMD4). Also called: EMERY-DREIFUSS MUSCULAR DYSTROPHY 4 WITH VARIABLE FEATURES. Identifiers: Orphanet 261, MedGen C2751807, MONDO:0013071, OMIM 612998.
Autosomal recessive ataxia, Beauce type. Also called: SYNE1 Deficiency; Spinocerebellar ataxia, autosomal recessive 8; ATAXIA, RECESSIVE, OF BEAUCE; SYNE1-Related Autosomal Recessive Cerebellar Ataxia. Identifiers: Orphanet 88644, MedGen C1853116, MONDO:0012549, OMIM 610743.

Allele frequency attached by ClinVar (database versions not stated): gnomAD exomes below 0.00001.
gnomAD v4.1: 2 of 1,613,380 alleles (0.00012%); highest among the groups gnomAD compares: Non-Finnish European, 0.00017%; no homozygotes.

Submission:

Labcorp Genetics (formerly Invitae), Labcorp
Classification: Uncertain significance for Emery-Dreifuss muscular dystrophy 4, autosomal dominant; Autosomal recessive ataxia, Beauce type. Last evaluated: 2023-10-03. Review status: criteria provided, single submitter. Criteria: Invitae Variant Classification Sherloc (09022015). Collection method: clinical testing. Allele origin: germline.
Comment: This sequence change falls in intron 8 of the SYNE1 gene. It does not directly change the encoded amino acid sequence of the SYNE1 protein. This variant is not present in population databases (gnomAD no frequency). This variant has not been reported in the literature in individuals affected with SYNE1-related conditions. ClinVar contains an entry for this variant (Variation ID: 1967154). Algorithms developed to predict the effect of sequence changes on RNA splicing suggest that this variant may create or strengthen a splice site. In summary, the available evidence is currently insufficient to determine the role of this variant in disease. Therefore, it has been classified as a Variant of Uncertain Significance.

NM_182961.4(SYNE1):c.582-12T>C

Gene: SYNE1 (spectrin repeat containing nuclear envelope protein 1; minus strand). Cytogenetic location: 6q25.2.
Variant type: single nucleotide variant.
Coding change: c.582-12T>C on transcript NM_182961.4 (MANE Select); 12 bases into the intron before coding-DNA position 582, T replaced by C.
Molecular consequence: intron variant.
Genome position (GRCh38, 1-based): chr6:152,505,409, A>G on the plus strand (T>C on the coding strand, the complement: SYNE1 is on the minus strand). VCF-style: chr6-152505409-A-G. GRCh37 (hg19) VCF-style: chr6-152826544-A-G.
Other names: c.603-12T>C (NM_033071.5).
Identifiers: ClinVar variation 1967154 (VCV001967154.5), dbSNP rs2508374728, ClinGen allele CA2578775988.